The following continues an entry in ClinVar:

NM_000402.4(G6PD):c.292G>A (p.Val98Met)

Gene: G6PD. ClinVar aggregate classification (germline): Pathogenic/Likely pathogenic. Pathogenic (31); Likely pathogenic (6).

Submissions 23 to 40 of 48:

Dunham Lab, University of Washington
Classification: Pathogenic for Anemia, nonspherocytic hemolytic, due to G6PD deficiency. Last evaluated: 2022-08-12. Review status: criteria provided, single submitter. Criteria: Bayesian ACMG Guidelines, 2018. Collection method: curation. Allele origin: maternal. Affected: yes.
Comment: Variant found in three unrelated families, where hemizygotes present with deficiency, some with hyperbilirubinemia, jaundice, and anemia (PS4_M, PP4). Two son-and-mother pairs both have variant and decreased activity, and sons have additional symptoms (PP1). Decreased activity in red blood cells (3-71%) and when expressed in E. coli (PS3). Predicted to be damaging by SIFT and probably damaging by PolyPhen (PP3). Reported as pathogenic by multiple clinical testing groups (PP5). Post_P 0.994 (odds of pathogenicity 1516, Prior_P 0.1).

Institute for Clinical Genetics, University Hospital TU Dresden, University Hospital TU Dresden
Classification: Pathogenic. Last evaluated: 2022-06-23. Review status: criteria provided, single submitter. Criteria: ACMG Guidelines, 2015. Collection method: clinical testing. Allele origin: germline.
Comment: PS4, PP3, PP2, PS3

GeneDx
Classification: Pathogenic. Last evaluated: 2022-02-23. Review status: criteria provided, single submitter. Criteria: GeneDx Variant Classification Process June 2021. Collection method: clinical testing. Allele origin: germline. Affected: yes.
Comment: Results in 10-23% of normal G6PD activity and causes acute hemolytic anemia triggered by infections, certain drugs, and fava beans (Vulliamy et al., 1988; Beutler et al., 1989; Shah et al., 2014); This variant is associated with the following publications: (PMID: 12524354, 24943486, 21153663, 1889820, 22307442, 21931771, 8733135, 25182376, 23144702, 2836867, 11852882, 21479984, 25201310, 27884173, 2572288, 27853304, 28512736, 30609409, 31564435, 32387609, 1303173, 30577886, 31980526, 32641076, 33587123, 3393536, 34272389, 33069889, 33072997)

Institute of Human Genetics, University of Leipzig Medical Center
Classification: Likely pathogenic for Anemia, nonspherocytic hemolytic, due to G6PD deficiency. Last evaluated: 2022-01-12. Review status: criteria provided, single submitter. Criteria: ACMG Guidelines, 2015. Collection method: clinical testing. Allele origin: unknown. Affected: yes.
Comment: This variant was identifiedas hemizygous and togehter with NM_001042351.3:c.376A>G._x000D_ Criteria applied: PS4, PS3_SUP, PP3

Illumina Laboratory Services, Illumina
Classification: Pathogenic for G6PD deficiency. Last evaluated: 2021-11-11. Review status: criteria provided, single submitter. Criteria: ICSLVariantClassificationCriteria RUGD 01 April 2020. Collection method: clinical testing. Allele origin: unknown.
Comment: The G6PD c.292G>A (p.Val98Met) variant, which is also called c.202G>A (p.Val68Met), is a missense variant that has a well-characterized role in glucose-6-phosphate dehydrogenase (G6PD) deficiency, accounting for up to 25% of cases in sub-Saharan Africa. This variant has been reported in a large number of individuals with G6PD deficiency, including in a heterozygous, hemizygous, and homozygous state (Vulliamy et al. 1991; McDade et al. 2008; Tine et al. 2012; Dallol et al. 2012; Shah et al. 2014). It is commonly found in cis with the c.466A>G (p.Asn156Asp) variant, which is also known as c.376A>G (p.Asn126Asp), and this complex allele is often referred to as the A-(1) allele. The p.Val98Met variant is reported at a frequency of 0.116400 in the African/African American population of the Genome Aggregation Database (version 2.1.1), including in 90 homozygotes and 641 hemizygotes. This frequency is high but consistent with the prevalence of G6PD deficiency in this region and the potentially limited clinical expression of G6PD deficiency. Reduced enzyme activity of approximately 40% for heterozygotes and 80% for hemizygotes and homozygotes in red blood cells from individuals who carry the p.Val98Met variant only has been observed (Hirono et al. 2002; Shah et al. 2014). Based on the collective evidence, the p.Val98Met variant, is classified as pathogenic for G6PD deficiency.

CENTOGENE GmbH and LLC - Guiding Precision Medicine
Classification: Pathogenic for Anemia, nonspherocytic hemolytic, due to G6PD deficiency. Last evaluated: 2021-11-02. Review status: criteria provided, single submitter. Criteria: ACMG Guidelines, 2015. Collection method: clinical testing. Allele origin: germline. Affected: yes.

AiLife Diagnostics
Classification: Pathogenic. Last evaluated: 2021-07-02. Review status: criteria provided, single submitter. Criteria: ACMG Guidelines, 2015. Collection method: clinical testing. Allele origin: germline. Affected: yes. Observed: 2 variant alleles.

Mendelics
Classification: Pathogenic for Anemia, nonspherocytic hemolytic, due to G6PD deficiency. Last evaluated: 2019-05-28. Review status: criteria provided, single submitter. Criteria: Mendelics Assertion Criteria 2017. Collection method: clinical testing. Allele origin: unknown.

ARUP Laboratories, Molecular Genetics and Genomics, ARUP Laboratories
Classification: Pathogenic. Last evaluated: 2018-07-02. Review status: criteria provided, single submitter. Criteria: ARUP Molecular Germline Variant Investigation Process. Collection method: clinical testing. Allele origin: germline.

Labcorp Genetics (formerly Invitae), Labcorp
Classification: Pathogenic for Anemia, nonspherocytic hemolytic, due to G6PD deficiency. Last evaluated: 2018-06-20. Review status: criteria provided, single submitter. Criteria: Invitae Variant Classification Sherloc (09022015). Collection method: clinical testing. Allele origin: germline.
Comment: This sequence change replaces valine with methionine at codon 68 of the G6PD protein (p.Val68Met). The valine residue is moderately conserved and there is a small physicochemical difference between valine and methionine. This variant is present in population databases (rs1050828, ExAC 11%). ClinVar contains an entry for this variant (Variation ID: 37123).Â¬â€  This variant is also known as the Asashi variant or p.Val98Met in the literature. This variant frequently co-occurs with the c.376A>G (p.Asn126Asp) variant (rs1050829) in cis (on the same chromosome), which is known as the G6PD A- haplotype c.[202G>A; 376A>G] . The G6PD A- haplotype is the most prevalent G6PD deficiency variant in African populations which is present at 0.2% (PMID: 1303173, 24505519, 2572288, 4359638). ClinVar contains an entry for the G6PD A- haplotype (Variation ID: 10361). This variant has been reported to co-occur with another G6PD variant independent of the A- haplotype in a Japanese family affected with G6PD deficiency (PMID: 11852882). It has also been identified as homozygous independent of the A- haplotype in individuals suspected with G6PD deficiency (PMID: 23006493). While this variant alone has been shown to only mildly affect enzyme activity, the c.[202G>A; 376A>G] changes of the G6PD A- haplotype have been reported to act synergistically to cause dramatic reduction of the stability and enzymatic activity of the G6PD protein (PMID: 3393536, 1303173, 10734064, 6015571, 2836867, 16356170). For these reasons, this variant on the c.[202G>A; 376A>G] haplotype has been classified as Pathogenic.

Eurofins Ntd Llc (ga)
Classification: Pathogenic. Last evaluated: 2017-03-29. Review status: criteria provided, single submitter. Criteria: EGL Classification Definitions 2015. Collection method: clinical testing. Allele origin: germline. Observed: 77 variant alleles, 45 heterozygotes, 11 homozygotes, 21 hemizygotes.

Knight Diagnostic Laboratories, Oregon Health and Sciences University
Classification: Pathogenic for Anemia, nonspherocytic hemolytic, due to G6PD deficiency. Last evaluated: 2016-06-28. Review status: criteria provided, single submitter. Criteria: ACMG Guidelines, 2015. Collection method: clinical testing. Allele origin: germline. Affected: no. Study: CSER-NextGen.
Comment: The c.202G>A (p.Val68Met) missense variant is recognized as a disease-causing variant in the G6PD gene. Functional studies demonstrate reduced enzymatic activity of the G allele compared to WT. The prevalence of the variant in affected individuals (homozygous) is increased compared with the prevalence in controls and there is familial co-segregation with disease (Bwayo et al. 2013; Manjurano et al. 2012; Maiga et al. 2014; Shah et al. 2014; Pisani et al. 2012; Vulliamy et al. 1988; Odievre et al. 2011). Although the frequency of this variant in the African population within ExAC is high it is consistent with observed and expected based on disease incidence (11.34%). Computational algorithms predict the variant has a damaging or deleterious effect. This variant is has been classified as pathogenic by multiple reputable clinical testing laboratories (Emory, Division of Human Genetics at Childrenâ€™s Hospital of Philadelphia). In summary, this variant c.202G>A (p.Val68Met) meets our criteria for a Pathogenic classification. We have confirmed this finding in our laboratory using Sanger sequencing.

Center for Pediatric Genomic Medicine, Children's Mercy Hospital and Clinics
Classification: Pathogenic. Last evaluated: 2015-08-24. Review status: criteria provided, single submitter. Criteria: ACMG Guidelines, 2015. Collection method: clinical testing. Allele origin: germline.

Kariminejad - Najmabadi Pathology & Genetics Center
Classification: Likely pathogenic for Anemia, nonspherocytic hemolytic, due to G6PD deficiency. Review status: criteria provided, single submitter. Criteria: ACMG Guidelines, 2015. Collection method: clinical testing. Allele origin: germline. Affected: no.

UNC Molecular Genetics  Laboratory, University of North Carolina at Chapel Hill
Classification: Pathogenic for Glucose 6 phosphate dehydrogenase deficiency; Anemia, nonspherocytic hemolytic, due to G6PD deficiency. Review status: criteria provided, single submitter. Criteria: ACMG Guidelines, 2015. Collection method: research. Allele origin: germline. Affected: no. Observed: 2 variant alleles. Study: NSIGHT-NC NEXUS.
Comment: G6PD c.292G>A (p.V98M) and c.466A>G (p.N156D), often occur together in cis as part of a haplotype, referred to as the enzyme variant A- (PMID: 5448; 1303173). This variant is associated with glucose-6-phosphate dehydrogenase deficiency.

carrier finding

Clinical Genetics Laboratory, University Hospital Schleswig-Holstein
Classification: Pathogenic for Anemia, nonspherocytic hemolytic, due to G6PD deficiency. Last evaluated: 2023-12-19. Review status: no assertion criteria provided. Collection method: clinical testing. Allele origin: maternal. Affected: yes. Not counted in ClinVar's aggregate classification.

Zotz-Klimas Genetics Lab, MVZ Zotz Klimas
Classification: Pathogenic for Anemia, nonspherocytic hemolytic, due to G6PD deficiency. Last evaluated: 2023-10-30. Review status: no assertion criteria provided. Collection method: clinical testing. Allele origin: germline. Affected: yes. Not counted in ClinVar's aggregate classification.

Clinical Laboratory Sciences Program (CLSP), King Saud bin Abdulaziz University for Health Sciences (KSAU-HS)
Classification: Pathogenic for Anemia, nonspherocytic hemolytic, due to G6PD deficiency. Last evaluated: 2023-04-01. Review status: no assertion criteria provided. Collection method: clinical testing. Allele origin: germline. Affected: yes. Not counted in ClinVar's aggregate classification.